The following is an entry in ClinVar:

ClinVar aggregate classification (germline): Uncertain significance. Review status: criteria provided, multiple submitters, no conflicts (2 of 4 stars). 2 submissions from 2 submitters: Uncertain significance (2). Last evaluated 2024-03-09.

Conditions:
Hereditary cancer-predisposing syndrome. Also called: Neoplastic Syndromes, Hereditary; Tumor predisposition; Hereditary Cancer Syndrome; Hereditary neoplastic syndrome. Identifiers: Orphanet 140162, MedGen C0027672, MeSH D009386, MONDO:0015356.
Neurofibromatosis, type 2 (SWNV). Also called: SCHWANNOMATOSIS, VESTIBULAR; NF2-Related Schwannomatosis; BILATERAL ACOUSTIC NEUROFIBROMATOSIS. Identifiers: Orphanet 637, MedGen C0027832, MONDO:0007039, OMIM 101000. Disease mechanism: loss of function.

Allele frequency attached by ClinVar (database versions not stated): gnomAD exomes below 0.00001.
gnomAD v4.1: 2 of 1,612,318 alleles (0.00012%); highest among the groups gnomAD compares: Non-Finnish European, 0.00017%; no homozygotes.

Submissions (2):

Ambry Genetics
Classification: Uncertain significance for Hereditary cancer-predisposing syndrome. Last evaluated: 2024-03-09. Review status: criteria provided, single submitter. Criteria: Ambry Variant Classification Scheme 2023. Collection method: clinical testing. Allele origin: germline.
Comment: The p.V173I variant (also known as c.517G>A) is located in coding exon 6 of the NF2 gene. The valine at codon 173 is replaced by isoleucine, an amino acid with highly similar properties. This change occurs in the first base pair of coding exon 6. This amino acid position is conserved. In addition, the in silico prediction for this alteration is inconclusive. Based on the available evidence, the clinical significance of this alteration remains unclear.

Labcorp Genetics (formerly Invitae), Labcorp
Classification: Uncertain significance for Neurofibromatosis, type 2. Last evaluated: 2020-12-01. Review status: criteria provided, single submitter. Criteria: Invitae Variant Classification Sherloc (09022015). Collection method: clinical testing. Allele origin: germline.
Comment: In summary, the available evidence is currently insufficient to determine the role of this variant in disease. Therefore, it has been classified as a Variant of Uncertain Significance. Algorithms developed to predict the effect of missense changes on protein structure and function are either unavailable or do not agree on the potential impact of this missense change (SIFT: "Tolerated"; PolyPhen-2: "Possibly Damaging"; Align-GVGD: "Class C0"). This variant has not been reported in the literature in individuals with NF2-related conditions. This variant is not present in population databases (ExAC no frequency). This sequence change replaces valine with isoleucine at codon 173 of the NF2 protein (p.Val173Ile). The valine residue is highly conserved and there is a small physicochemical difference between valine and isoleucine.

NM_000268.4(NF2):c.517G>A (p.Val173Ile)

Gene: NF2 (NF2, moesin-ezrin-radixin like (MERLIN) tumor suppressor; plus strand). Cytogenetic location: 22q12.2.
Variant type: single nucleotide variant.
Coding change: c.517G>A on transcript NM_000268.4 (MANE Select); coding-DNA position 517, G replaced by A.
Protein change: p.Val173Ile; replaces valine 173 with isoleucine.
Molecular consequence: missense variant. On other transcripts: non-coding transcript variant (1), intron variant (1).
Genome position (GRCh38, 1-based): chr22:29,655,594, G>A. VCF-style: chr22-29655594-G-A. GRCh37 (hg19) VCF-style: chr22-30051583-G-A.
Other names: c.394G>A, p.Val132Ile (NM_181829.3); c.268G>A, p.Val90Ile (NM_181830.3, NM_181831.3); c.517G>A, p.Val173Ile (NM_181832.3, NM_016418.5, NM_181825.3); c.447+13309G>A (NM_181833.3); c.391G>A, p.Val131Ile (NM_181828.3); c.517G>A (NM_000268.3); short protein forms V131I, V132I, V90I, V173I.
Identifiers: ClinVar variation 1350993 (VCV001350993.9), dbSNP rs2146971884, ClinGen allele CA411142272.
Genomic context (GRCh38, chr22:29,655,594, plus strand): 5'-GCAAACAATACCAAATTTACTTCATGTGTAGGTTTTTTATTTTGCTCTATTTTTTGGTAG[G>A]TAATAAATCTGTATCAGATGACTCCGGAAATGTGGGAGGAGAGAATTACTGCTTGGTACG-3'
Protein context (NP_000259.1, residues 163-183): LAQEELLPKR[Val173Ile]INLYQMTPEM